The following is an entry in ClinVar:

ClinVar aggregate classification (germline): Benign (1 of 4 stars; one submission).

Allele frequency attached by ClinVar (database versions not stated): 1000 Genomes Project 30x 0.98454; 1000 Genomes Project 0.98762; TOPMed 0.98830; gnomAD 0.98957 and 0.99003.
gnomAD v4.1: 150,707 of 152,220 alleles (99%); highest among the groups gnomAD compares: East Asian, 100%; 74,620 homozygotes.

Submission:

GeneDx
Classification: Benign. Last evaluated: 2018-06-19. Review status: criteria provided, single submitter. Criteria: GeneDx Variant Classification (06012015). Collection method: clinical testing. Allele origin: germline. Affected: yes.
Comment: This variant is considered likely benign or benign based on one or more of the following criteria: it is a conservative change, it occurs at a poorly conserved position in the protein, it is predicted to be benign by multiple in silico algorithms, and/or has population frequency not consistent with disease.

NM_001291303.3(FAT4):c.7199+264T>A

Gene: FAT4 (FAT atypical cadherin 4; plus strand). Cytogenetic location: 4q28.1.
Variant type: single nucleotide variant.
Coding change: c.7199+264T>A on transcript NM_001291303.3 (MANE Select); 264 bases into the intron after coding-DNA position 7199, T replaced by A.
Molecular consequence: intron variant.
Genome position (GRCh38, 1-based): chr4:125,434,689, T>A. VCF-style: chr4-125434689-T-A. GRCh37 (hg19) VCF-style: chr4-126355844-T-A.
Other names: c.7199+264T>A (NM_001291285.3, NM_024582.6).
Identifiers: ClinVar variation 668138 (VCV000668138.1), dbSNP rs7656590, ClinGen allele CA104869650.